The following is an entry in ClinVar:

NM_015335.5(MED13L):c.4478A>C (p.Asn1493Thr)

Gene: MED13L (mediator complex subunit 13L; minus strand). Cytogenetic location: 12q24.21.
Variant type: single nucleotide variant.
Coding change: c.4478A>C on transcript NM_015335.5 (MANE Select); coding-DNA position 4478, A replaced by C.
Protein change: p.Asn1493Thr; replaces asparagine 1493 with threonine.
Molecular consequence: missense variant.
Genome position (GRCh38, 1-based): chr12:115,984,233, T>G on the plus strand (A>C on the coding strand, the complement: MED13L is on the minus strand). VCF-style: chr12-115984233-T-G. GRCh37 (hg19) VCF-style: chr12-116422038-T-G.
Other names: short protein forms N1493T.
Identifiers: ClinVar variation 3025665 (VCV003025665.22), dbSNP rs1294988714, ClinGen allele CA386883541.
Genomic context (GRCh38, chr12:115,984,233, plus strand): 5'-CATTTACCTAGGTGATGGCGGCAAACTTGCGCATAAAGTTTGAGTCTGGAATGATTGTCA[T>G]TCTCCTCGCCGCTCCAAGGCTGGTTAAACCACTCACTCACAAGCTCATCTGTCAGCTTCT-3'
Protein context (NP_056150.1, residues 1483-1503): WFNQPWSGEE[Asn1493Thr]DNHSRLKLYA

ClinVar aggregate classification (germline): Likely benign (1 of 4 stars; one submission).

Allele frequency attached by ClinVar (database versions not stated): gnomAD 0.00001; TOPMed 0.00001.
gnomAD v4.1: 2 of 1,613,880 alleles (0.00012%); highest among the groups gnomAD compares: Non-Finnish European, 0.00017%; no homozygotes.

Submission:

CeGaT Center for Human Genetics Tuebingen
Classification: Likely benign. Last evaluated: 2023-12-01. Review status: criteria provided, single submitter. Criteria: CeGaT Center For Human Genetics Tuebingen Variant Classification Criteria Version 2. Collection method: clinical testing. Allele origin: germline. Affected: yes. Observed: 1 variant allele.
Comment: MED13L: BP4